The following is an entry in ClinVar:

NM_021625.5(TRPV4):c.922C>T (p.Pro308Ser)

Gene: TRPV4 (transient receptor potential cation channel subfamily V member 4; minus strand). Cytogenetic location: 12q24.11.
Variant type: single nucleotide variant.
Coding change: c.922C>T on transcript NM_021625.5 (MANE Select); coding-DNA position 922, C replaced by T.
Protein change: p.Pro308Ser; replaces proline 308 with serine.
Molecular consequence: missense variant.
Genome position (GRCh38, 1-based): chr12:109,798,844, G>A on the plus strand (C>T on the coding strand, the complement: TRPV4 is on the minus strand). VCF-style: chr12-109798844-G-A. GRCh37 (hg19) VCF-style: chr12-110236649-G-A.
Other names: c.781C>T, p.Pro261Ser (NM_001177428.2, NM_001177433.2); c.820C>T, p.Pro274Ser (NM_001177431.2); c.922C>T, p.Pro308Ser (NM_147204.3); short protein forms P274S, P261S, P308S.
Identifiers: ClinVar variation 945376 (VCV000945376.11), dbSNP rs1257302371, ClinGen allele CA386654987.

ClinVar aggregate classification (germline): Uncertain significance. Review status: criteria provided, multiple submitters, no conflicts (2 of 4 stars). 2 submissions from 2 submitters: Uncertain significance (2). Last evaluated 2020-12-09.

Conditions:
Inborn genetic diseases. Identifiers: MedGen C0950123, MeSH D030342.
Charcot-Marie-Tooth disease axonal type 2C (HMSN2C). Also called: Charcot-Marie-Tooth Disease Type 2, TRPV4-Related (CMT2C); CHARCOT-MARIE-TOOTH DISEASE, AXONAL, AUTOSOMAL DOMINANT, TYPE 2C; Charcot-Marie-Tooth Neuropathy Type 2C. Identifiers: Orphanet 99937, MedGen C1853710, MONDO:0011633, OMIM 606071.

Allele frequency attached by ClinVar (database versions not stated): gnomAD 0.00001; gnomAD exomes 0.00001; TOPMed 0.00001.

Submissions (2):

Labcorp Genetics (formerly Invitae), Labcorp
Classification: Uncertain significance for Charcot-Marie-Tooth disease axonal type 2C. Last evaluated: 2020-12-09. Review status: criteria provided, single submitter. Criteria: Invitae Variant Classification Sherloc (09022015). Collection method: clinical testing. Allele origin: germline.
Comment: This sequence change replaces proline with serine at codon 308 of the TRPV4 protein (p.Pro308Ser). The proline residue is weakly conserved and there is a moderate physicochemical difference between proline and serine. In summary, the available evidence is currently insufficient to determine the role of this variant in disease. Therefore, it has been classified as a Variant of Uncertain Significance. Algorithms developed to predict the effect of missense changes on protein structure and function (SIFT, PolyPhen-2, Align-GVGD) all suggest that this variant is likely to be tolerated, but these predictions have not been confirmed by published functional studies and their clinical significance is uncertain. This variant has not been reported in the literature in individuals with TRPV4-related conditions. This variant is not present in population databases (ExAC no frequency).

Ambry Genetics
Classification: Uncertain significance for Inborn genetic diseases. Last evaluated: 2020-10-19. Review status: criteria provided, single submitter. Criteria: Ambry Variant Classification Scheme 2023. Collection method: clinical testing. Allele origin: germline.
Comment: The p.P308S variant (also known as c.922C>T), located in coding exon 5 of the TRPV4 gene, results from a C to T substitution at nucleotide position 922. The proline at codon 308 is replaced by serine, an amino acid with similar properties. This amino acid position is well conserved in available vertebrate species. In addition, this alteration is predicted to be tolerated by in silico analysis. Since supporting evidence is limited at this time, the clinical significance of this alteration remains unclear.